The following is an entry in ClinVar:

NM_001366418.1(SETDB1):c.447+3A>G

Gene: SETDB1 (SET domain bifurcated histone lysine methyltransferase 1; plus strand). Cytogenetic location: 1q21.3.
Variant type: single nucleotide variant.
Coding change: c.447+3A>G on transcript NM_001366418.1 (MANE Select); 3 bases into the intron after coding-DNA position 447, A replaced by G.
Molecular consequence: intron variant.
Genome position (GRCh38, 1-based): chr1:150,939,977, A>G. VCF-style: chr1-150939977-A-G. GRCh37 (hg19) VCF-style: chr1-150912453-A-G.
Other names: c.447+3A>G (NM_001366417.1, NM_001393961.1, NM_001393960.1 and 10 more transcripts).
Identifiers: ClinVar variation 3067292 (VCV003067292.21), dbSNP rs374239668, ClinGen allele CA30178619.

ClinVar aggregate classification (germline): Likely benign (1 of 4 stars; one submission).

Allele frequency attached by ClinVar (database versions not stated): gnomAD 0.00001; gnomAD exomes 0.00001; TOPMed 0.00001.
gnomAD v4.1: 13 of 1,611,620 alleles (0.00081%); highest among the groups gnomAD compares: Middle Eastern, 0.033%; no homozygotes.

Submission:

CeGaT Center for Human Genetics Tuebingen
Classification: Likely benign. Last evaluated: 2024-03-01. Review status: criteria provided, single submitter. Criteria: CeGaT Center For Human Genetics Tuebingen Variant Classification Criteria Version 2. Collection method: clinical testing. Allele origin: germline. Affected: yes. Observed: 1 variant allele.
Comment: SETDB1: BP4